The following is an entry in ClinVar:

ClinVar aggregate classification (germline): Likely benign. Review status: criteria provided, multiple submitters, no conflicts (2 of 4 stars). 8 submissions from 8 submitters: Likely benign (7). 1 of the submissions does not count toward it. Last evaluated 2025-12-29.

Conditions:
POLE-related disorder. Also called: POLE-related condition; POLE-related disorders.
Hereditary cancer-predisposing syndrome. Also called: Hereditary Cancer Syndrome; Tumor predisposition; Hereditary neoplastic syndrome; Neoplastic Syndromes, Hereditary. Identifiers: Orphanet 140162, MedGen C0027672, MeSH D009386, MONDO:0015356.
Colorectal cancer, susceptibility to, 12 (CRCS12). Also called: COLORECTAL CANCER, SUSCEPTIBILITY TO, ON CHROMOSOME 12q24. Identifiers: Orphanet 220460, MedGen C3554460, MONDO:0014038, OMIM 615083.

Allele frequency attached by ClinVar (database versions not stated): ExAC 0.00003; ESP Exome Variant Server 0.00008.
gnomAD v4.1: 76 of 1,613,338 alleles (0.0047%); highest among the groups gnomAD compares: Middle Eastern, 0.016%; no homozygotes.

Submissions (8):

Labcorp Genetics (formerly Invitae), Labcorp
Classification: Likely benign. Last evaluated: 2025-12-29. Review status: criteria provided, single submitter. Criteria: Invitae Variant Classification Sherloc (09022015). Collection method: clinical testing. Allele origin: germline.

PreventionGenetics, part of Exact Sciences
Classification: Likely benign for POLE-related condition. Last evaluated: 2025-06-26. Review status: criteria provided, single submitter. Criteria: ACMG Guidelines, 2015. Collection method: clinical testing. Allele origin: germline.
Comment: This variant is classified as likely benign based on ACMG/AMP sequence variant interpretation guidelines (Richards et al. 2015 PMID: 25741868, with internal and published modifications).

Center for Genomic Medicine, Rigshospitalet, Copenhagen University Hospital
Classification: Likely benign. Last evaluated: 2025-03-04. Review status: criteria provided, single submitter. Criteria: ACMG Guidelines, 2015. Collection method: clinical testing. Allele origin: germline.

Ambry Genetics
Classification: Likely benign for Hereditary cancer-predisposing syndrome. Last evaluated: 2024-05-23. Review status: criteria provided, single submitter. Criteria: Ambry Variant Classification Scheme 2023. Collection method: clinical testing. Allele origin: germline.

GeneDx
Classification: Likely benign. Last evaluated: 2020-02-04. Review status: criteria provided, single submitter. Criteria: GeneDx Variant Classification Process June 2021. Collection method: clinical testing. Allele origin: germline. Affected: yes.

Women's Health and Genetics/Laboratory Corporation of America, LabCorp
Classification: Likely benign. Last evaluated: 2020-01-31. Review status: criteria provided, single submitter. Criteria: LabCorp Variant Classification Summary - May 2015. Collection method: clinical testing. Allele origin: germline.

Mendelics
Classification: Likely benign for Colorectal cancer, susceptibility to, 12. Last evaluated: 2019-05-28. Review status: criteria provided, single submitter. Criteria: Mendelics Assertion Criteria 2017. Collection method: clinical testing. Allele origin: unknown.

True Health Diagnostics
Classification: Uncertain significance for Hereditary cancer-predisposing syndrome. Last evaluated: 2017-09-11. Review status: no assertion criteria provided. Collection method: clinical testing. Allele origin: germline. Not counted in ClinVar's aggregate classification.

NM_006231.4(POLE):c.6334C>T (p.Leu2112=)

Gene: POLE (DNA polymerase epsilon, catalytic subunit; minus strand). Cytogenetic location: 12q24.33.
Variant type: single nucleotide variant.
Coding change: c.6334C>T on transcript NM_006231.4 (MANE Select); coding-DNA position 6334, C replaced by T.
Protein change: p.Leu2112=; no amino-acid change (leucine 2112 retained).
Molecular consequence: synonymous variant.
Genome position (GRCh38, 1-based): chr12:132,626,314, G>A on the plus strand (C>T on the coding strand, the complement: POLE is on the minus strand). VCF-style: chr12-132626314-G-A. GRCh37 (hg19) VCF-style: chr12-133202900-G-A.
Identifiers: ClinVar variation 413490 (VCV000413490.36), dbSNP rs373443211, ClinGen allele CA6892195.
Genomic context (GRCh38, chr12:132,626,314, plus strand): 5'-GGCGAAGCAGGTCTCGGTTCAGCTTATTCACCTGGTTTGTGATGTTGGTGTCCAGGGACA[G>A]CACCTGCAGAGACCACAGCCCACATCGGGAAGGAGCTCCCGGGGCCTCCCTGCTGCTCTG-3'
Protein context (NP_006222.2, residues 2102-2122): LEFIKYVCKV[Leu2112=]SLDTNITNQV